The following is an entry in ClinVar:

ClinVar aggregate classification (germline): Benign/Likely benign. Review status: criteria provided, multiple submitters, no conflicts (2 of 4 stars). 3 submissions from 3 submitters: Benign (1); Likely benign (2). Last evaluated 2025-05-13.

Conditions:
Pheochromocytoma/paraganglioma syndrome 4. Also called: CAROTID BODY TUMORS AND MULTIPLE EXTRAADRENAL PHEOCHROMOCYTOMAS; PARAGANGLIOMA, FAMILIAL MALIGNANT; PARAGANGLIOMAS, HEREDITARY EXTRAADRENAL; PHEOCHROMOCYTOMA, FAMILIAL EXTRAADRENAL; Paragangliomas 4; SDHB-Related Hereditary Paraganglioma-Pheochromocytoma Syndrome (Paragangliomas 4). Identifiers: Orphanet 29072, MedGen C1861848, MONDO:0007273, OMIM 115310.
Pheochromocytoma. Also called: MAX-Related Hereditary Paraganglioma-Pheochromocytoma Syndrome. Identifiers: Orphanet 29072, MedGen C0031511, MONDO:0008233, OMIM 171300, HP:0002666.
Gastrointestinal stromal tumor. Also called: Gastrointestinal stromal tumor, somatic; Gastrointestinal stroma tumor. Identifiers: Orphanet 44890, MedGen C0238198, MeSH D046152, MONDO:0011719, OMIM 606764, HP:0100723.
Hereditary cancer-predisposing syndrome. Also called: Neoplastic Syndromes, Hereditary; Hereditary neoplastic syndrome; Tumor predisposition; Hereditary Cancer Syndrome. Identifiers: Orphanet 140162, MedGen C0027672, MeSH D009386, MONDO:0015356.

Allele frequency attached by ClinVar (database versions not stated): gnomAD exomes below 0.00001; TOPMed below 0.00001.

Submissions (3):

Labcorp Genetics (formerly Invitae), Labcorp
Classification: Likely benign for Gastrointestinal stromal tumor; Pheochromocytoma/paraganglioma syndrome 4; Pheochromocytoma. Last evaluated: 2025-05-13. Review status: criteria provided, single submitter. Criteria: Invitae Variant Classification Sherloc (09022015). Collection method: clinical testing. Allele origin: germline.

Myriad Genetics, Inc.
Classification: Benign for Pheochromocytoma/paraganglioma syndrome 4. Last evaluated: 2025-03-12. Review status: criteria provided, single submitter. Criteria: Myriad Autosomal Dominant, Autosomal Recessive and X-Linked Classification Criteria (2023). Collection method: clinical testing. Allele origin: unknown.
Comment: This variant is considered benign. This variant is a silent/synonymous amino acid change and it is not expected to impact splicing.

Ambry Genetics
Classification: Likely benign for Hereditary cancer-predisposing syndrome. Last evaluated: 2023-11-22. Review status: criteria provided, single submitter. Criteria: Ambry Variant Classification Scheme 2023. Collection method: clinical testing. Allele origin: germline.

NM_003000.3(SDHB):c.456C>A (p.Ser152=)

Gene: SDHB (succinate dehydrogenase complex iron sulfur subunit B; minus strand). Cytogenetic location: 1p36.13.
Variant type: single nucleotide variant.
Coding change: c.456C>A on transcript NM_003000.3 (MANE Select); coding-DNA position 456, C replaced by A.
Protein change: p.Ser152=; no amino-acid change (serine 152 retained).
Molecular consequence: synonymous variant.
Genome position (GRCh38, 1-based): chr1:17,027,833, G>T on the plus strand (C>A on the coding strand, the complement: SDHB is on the minus strand). VCF-style: chr1-17027833-G-T. GRCh37 (hg19) VCF-style: chr1-17354328-G-T.
Other names: c.402C>A, p.Ser134= (NM_001407361.1).
Identifiers: ClinVar variation 2946630 (VCV002946630.5), dbSNP rs1191500669, ClinGen allele CA416086203.